The following is an entry in ClinVar:

ClinVar aggregate classification (germline): Uncertain significance. Review status: criteria provided, multiple submitters, no conflicts (2 of 4 stars). 4 submissions from 4 submitters: Uncertain significance (4). Last evaluated 2025-06-02.

Conditions:
Cardiovascular phenotype. Identifiers: MedGen CN230736.
Brugada syndrome. Also called: Sudden unexpected nocturnal death syndrome; Sudden Unexplained Death Syndrome; Sudden Unexplained Nocturnal Death Syndrome (SUNDS); Sudden unexplained nocturnal death syndrome. Identifiers: Orphanet 130, MedGen C1142166, MONDO:0015263.

Allele frequency attached by ClinVar (database versions not stated): ExAC 0.00002; gnomAD exomes 0.00002; TOPMed 0.00002; gnomAD 0.00005.
gnomAD v4.1: 32 of 1,611,232 alleles (0.002%); highest among the groups gnomAD compares: African/African-American, 0.012%; no homozygotes.

Submissions (4):

Labcorp Genetics (formerly Invitae), Labcorp
Classification: Uncertain significance for Brugada syndrome. Last evaluated: 2025-06-02. Review status: criteria provided, single submitter. Criteria: Invitae Variant Classification Sherloc (09022015). Collection method: clinical testing. Allele origin: germline.
Comment: This sequence change replaces aspartic acid, which is acidic and polar, with asparagine, which is neutral and polar, at codon 972 of the CACNA2D1 protein (p.Asp972Asn). This variant is present in population databases (rs776720930, gnomAD 0.02%). This variant has not been reported in the literature in individuals affected with CACNA2D1-related conditions. ClinVar contains an entry for this variant (Variation ID: 393101). An algorithm developed to predict the effect of missense changes on protein structure and function outputs the following: PolyPhen-2: "Benign". The asparagine amino acid residue is found in multiple mammalian species, which suggests that this missense change does not adversely affect protein function. In summary, the available evidence is currently insufficient to determine the role of this variant in disease. Therefore, it has been classified as a Variant of Uncertain Significance.

Women's Health and Genetics/Laboratory Corporation of America, LabCorp
Classification: Uncertain significance. Last evaluated: 2024-07-02. Review status: criteria provided, single submitter. Criteria: LabCorp Variant Classification Summary - May 2015. Collection method: clinical testing. Allele origin: germline.
Comment: Variant summary: CACNA2D1 c.2914G>A (p.Asp972Asn) results in a conservative amino acid change located in the Voltage-dependent calcium channel, alpha-2/delta subunit, conserved region (IPR013680) of the encoded protein sequence. Five of five in-silico tools predict a benign effect of the variant on protein function. The variant allele was found at a frequency of 1.6e-05 in 250846 control chromosomes. The available data on variant occurrences in the general population are insufficient to allow any conclusion about variant significance. To our knowledge, no occurrence of c.2914G>A in individuals affected with Developmental And Epileptic Encephalopathy 110 and no experimental evidence demonstrating its impact on protein function have been reported. ClinVar contains an entry for this variant (Variation ID: 393101). Based on the evidence outlined above, the variant was classified as uncertain significance.

Ambry Genetics
Classification: Uncertain significance for Cardiovascular phenotype. Last evaluated: 2021-07-29. Review status: criteria provided, single submitter. Criteria: Ambry Variant Classification Scheme 2023. Collection method: clinical testing. Allele origin: germline.
Comment: The p.D972N variant (also known as c.2914G>A), located in coding exon 36 of the CACNA2D1 gene, results from a G to A substitution at nucleotide position 2914. The aspartic acid at codon 972 is replaced by asparagine, an amino acid with highly similar properties. This amino acid position is not well conserved in available vertebrate species, and asparagine is the reference amino acid in other vertebrate species. In addition, this alteration is predicted to be tolerated by in silico analysis. Since supporting evidence is limited at this time, the clinical significance of this alteration remains unclear.

GeneDx
Classification: Uncertain significance. Last evaluated: 2017-01-23. Review status: criteria provided, single submitter. Criteria: GeneDx Variant Classification (06012015). Collection method: clinical testing. Allele origin: germline. Affected: yes.
Comment: A variant of uncertain significance has been identified in the CACNA2D1 gene. The D972N variant has not been published as pathogenic or been reported as benign to our knowledge. This variant is not observed at a significant frequency in large population cohorts (Lek et al., 2016; 1000 Genomes Consortium et al., 2015; Exome Variant Server). The D972N variant is a semi-conservative amino acid substitution, which may impact secondary protein structure as these residues differ in some properties. However, this substitution occurs at a position that is not conserved across species, and Asparagine is the wild-type amino acid at this position in at least one species. Furthermore, 2/3 in silico algorithms predict this variant likely does not alter the protein structure/function.

NM_000722.4(CACNA2D1):c.2914G>A (p.Asp972Asn)

Gene: CACNA2D1 (calcium voltage-gated channel auxiliary subunit alpha2delta 1; minus strand). Cytogenetic location: 7q21.11.
Variant type: single nucleotide variant.
Coding change: c.2914G>A on transcript NM_000722.4 (MANE Select); coding-DNA position 2914, G replaced by A.
Protein change: p.Asp972Asn; replaces aspartic acid 972 with asparagine.
Molecular consequence: missense variant.
Genome position (GRCh38, 1-based): chr7:81,961,946, C>T on the plus strand (G>A on the coding strand, the complement: CACNA2D1 is on the minus strand). VCF-style: chr7-81961946-C-T. GRCh37 (hg19) VCF-style: chr7-81591262-C-T.
Other names: c.2914G>A (LRG_437t1); c.2950G>A, p.Asp984Asn (NM_001366867.1); short protein forms D972N, D984N.
Identifiers: ClinVar variation 393101 (VCV000393101.8), dbSNP rs776720930, ClinGen allele CA4317441.